The following is an entry in ClinVar:

NM_000137.4(FAH):c.913+1G>T

Gene: FAH (fumarylacetoacetate hydrolase; plus strand). Cytogenetic location: 15q25.1.
Variant type: single nucleotide variant.
Coding change: c.913+1G>T on transcript NM_000137.4 (MANE Select); the canonical splice donor site of the intron after coding-DNA position 913, G replaced by T.
Molecular consequence: splice donor variant.
Genome position (GRCh38, 1-based): chr15:80,175,092, G>T. VCF-style: chr15-80175092-G-T. GRCh37 (hg19) VCF-style: chr15-80467434-G-T.
Other names: c.913+1G>T (NM_001374377.1, NM_001374380.1).
Identifiers: ClinVar variation 4067858 (VCV004067858.2).
Genomic context (GRCh38, chr15:80,175,092, plus strand): 5'-CGTATCTGTGCCATGACGAGCCCTACACATTTGACATCAACCTCTCTGTTAACCTGAAAG[G>T]TATGTTGTAGGGGGACTGACATGGCCAGGAGCTCTGAGGCAATGTGTGCCTGTGTGCCTT-3'

ClinVar aggregate classification (germline): Likely pathogenic (1 of 4 stars; one submission).

Conditions:
Tyrosinemia type I (TYRSN1). Also called: Tyrosinemia type 1; Fumarylacetoacetase deficiency; Deficiency of fumarylacetoacetase; FAH DEFICIENCY; HEPATORENAL TYROSINEMIA. Identifiers: Orphanet 882, MedGen C0268490, MONDO:0010161, OMIM 276700. Disease mechanism: loss of function.

Submission:

Natera, Inc.
Classification: Likely pathogenic for Tyrosinemia type I. Last evaluated: 2025-03-07. Review status: criteria provided, single submitter. Criteria: Natera Variant Classification Schema (03/2026). Collection method: clinical testing. Allele origin: germline.
Comment: The c.913+1G>T variant in FAH is a canonical splice donor site variant predicted to affect pre-mRNA splicing, which may result in an abnormal transcript and altered protein product. This variant is expected to result in nonsense mediated decay, truncation, or a dysfunctional protein product. This variant is rare in the general population with a frequency below the threshold expected for the associated phenotype(s). Given the available evidence, this variant is classified as Likely Pathogenic.